The following is an entry in ClinVar:

NM_004360.5(CDH1):c.2393T>C (p.Leu798Pro)

Gene: CDH1 (cadherin 1; plus strand). Cytogenetic location: 16q22.1.
Variant type: single nucleotide variant.
Coding change: c.2393T>C on transcript NM_004360.5 (MANE Select); coding-DNA position 2393, T replaced by C.
Protein change: p.Leu798Pro; replaces leucine 798 with proline.
Molecular consequence: missense variant.
Genome position (GRCh38, 1-based): chr16:68,829,751, T>C. VCF-style: chr16-68829751-T-C. GRCh37 (hg19) VCF-style: chr16-68863654-T-C.
Other names: c.2210T>C, p.Leu737Pro (NM_001317184.2); c.845T>C, p.Leu282Pro (NM_001317185.2); c.428T>C, p.Leu143Pro (NM_001317186.2); short protein forms L737P, L798P, L282P, L143P.
Identifiers: ClinVar variation 1501776 (VCV001501776.8), dbSNP rs2152142399, ClinGen allele CA396471188.

ClinVar aggregate classification (germline): Uncertain significance (1 of 4 stars; one submission).

Conditions:
Hereditary diffuse gastric adenocarcinoma (HDGC). Also called: DIFFUSE GASTRIC AND LOBULAR BREAST CANCER SYNDROME. Identifiers: Orphanet 26106, MedGen C1708349, MONDO:0007648, OMIM 137215.

Submission:

Labcorp Genetics (formerly Invitae), Labcorp
Classification: Uncertain significance for Hereditary diffuse gastric adenocarcinoma. Last evaluated: 2020-11-20. Review status: criteria provided, single submitter. Criteria: Invitae Variant Classification Sherloc (09022015). Collection method: clinical testing. Allele origin: germline.
Comment: This sequence change replaces leucine with proline at codon 798 of the CDH1 protein (p.Leu798Pro). The leucine residue is weakly conserved and there is a moderate physicochemical difference between leucine and proline. This variant is not present in population databases (ExAC no frequency). This variant has not been reported in the literature in individuals with CDH1-related conditions. Algorithms developed to predict the effect of missense changes on protein structure and function are either unavailable or do not agree on the potential impact of this missense change (SIFT: "Tolerated"; PolyPhen-2: "Possibly Damaging"; Align-GVGD: "Class C0"). In summary, the available evidence is currently insufficient to determine the role of this variant in disease. Therefore, it has been classified as a Variant of Uncertain Significance.